The following is an entry in ClinVar:

ClinVar aggregate classification (germline): Uncertain significance (1 of 4 stars; one submission).

Conditions:
Ullrich congenital muscular dystrophy 2 (UCMD2). Identifiers: Orphanet 75840, MedGen C4225314, MONDO:0014654, OMIM 616470.
Bethlem myopathy 2 (BTHLM2). Identifiers: Orphanet 536516, Orphanet 610, MedGen C4225313, MONDO:0034022, OMIM 616471.

Allele frequency attached by ClinVar (database versions not stated): gnomAD exomes below 0.00001.
gnomAD v4.1: 1 of 1,599,988 alleles (0.000063%); highest among the groups gnomAD compares: Non-Finnish European, 0.000085%; no homozygotes.

Submission:

Labcorp Genetics (formerly Invitae), Labcorp
Classification: Uncertain significance for Bethlem myopathy 2; Ullrich congenital muscular dystrophy 2. Last evaluated: 2021-03-17. Review status: criteria provided, single submitter. Criteria: Invitae Variant Classification Sherloc (09022015). Collection method: clinical testing. Allele origin: germline.
Comment: Algorithms developed to predict the effect of missense changes on protein structure and function output the following: SIFT: "Tolerated"; PolyPhen-2: "Benign"; Align-GVGD: "Class C0". The isoleucine amino acid residue is found in multiple mammalian species, suggesting that this missense change does not adversely affect protein function. These predictions have not been confirmed by published functional studies and their clinical significance is uncertain. In summary, the available evidence is currently insufficient to determine the role of this variant in disease. Therefore, it has been classified as a Variant of Uncertain Significance. This variant has not been reported in the literature in individuals with COL12A1-related conditions. This variant is not present in population databases (ExAC no frequency). This sequence change replaces valine with isoleucine at codon 1477 of the COL12A1 protein (p.Val1477Ile). The valine residue is weakly conserved and there is a small physicochemical difference between valine and isoleucine.

NM_004370.6(COL12A1):c.4429G>A (p.Val1477Ile)

Gene: COL12A1 (collagen type XII alpha 1 chain; minus strand). Cytogenetic location: 6q13.
Variant type: single nucleotide variant.
Coding change: c.4429G>A on transcript NM_004370.6 (MANE Select); coding-DNA position 4429, G replaced by A.
Protein change: p.Val1477Ile; replaces valine 1477 with isoleucine.
Molecular consequence: missense variant.
Genome position (GRCh38, 1-based): chr6:75,146,233, C>T on the plus strand (G>A on the coding strand, the complement: COL12A1 is on the minus strand). VCF-style: chr6-75146233-C-T. GRCh37 (hg19) VCF-style: chr6-75855949-C-T.
Other names: c.937G>A, p.Val313Ile (NM_080645.3); short protein forms V1477I, V313I.
Identifiers: ClinVar variation 835689 (VCV000835689.10), dbSNP rs1767188215, ClinGen allele CA364744119.